The following is an entry in ClinVar:

ClinVar aggregate classification (germline): Uncertain significance (1 of 4 stars; one submission).

Conditions:
Familial thoracic aortic aneurysm and aortic dissection (TAAD). Also called: Thoracic aortic aneurysms and dissections. Identifiers: Orphanet 91387, MedGen C4707243, MONDO:0019625.

gnomAD v4.1: 10 of 1,613,936 alleles (0.00062%); highest among the groups gnomAD compares: South Asian, 0.011%; no homozygotes.

Submission:

Ambry Genetics
Classification: Uncertain significance for Familial thoracic aortic aneurysm and aortic dissection. Last evaluated: 2025-09-24. Review status: criteria provided, single submitter. Criteria: Ambry Variant Classification Scheme 2023. Collection method: clinical testing. Allele origin: germline.
Comment: The p.G40R variant (also known as c.118G>A), located in coding exon 2 of the PLOD1 gene, results from a G to A substitution at nucleotide position 118. The glycine at codon 40 is replaced by arginine, an amino acid with dissimilar properties. This amino acid position is highly conserved in available vertebrate species. In addition, this alteration is predicted to be deleterious by in silico analysis. Based on the available evidence, the clinical significance of this variant remains unclear.

NM_000302.4(PLOD1):c.118G>A (p.Gly40Arg)

Gene: PLOD1 (procollagen-lysine,2-oxoglutarate 5-dioxygenase 1; plus strand). Cytogenetic location: 1p36.22.
Variant type: single nucleotide variant.
Coding change: c.118G>A on transcript NM_000302.4 (MANE Select); coding-DNA position 118, G replaced by A.
Protein change: p.Gly40Arg; replaces glycine 40 with arginine.
Molecular consequence: missense variant.
Genome position (GRCh38, 1-based): chr1:11,948,017, G>A. VCF-style: chr1-11948017-G-A. GRCh37 (hg19) VCF-style: chr1-12008074-G-A.
Other names: c.259G>A, p.Gly87Arg (NM_001316320.2); short protein forms G40R, G87R.
Identifiers: ClinVar variation 4635504 (VCV004635504.1).